The following is an entry in ClinVar:

ClinVar aggregate classification (germline): Uncertain significance (1 of 4 stars; one submission).

Conditions:
Atypical hemolytic-uremic syndrome. Identifiers: Orphanet 2134, MedGen C2931788, MONDO:0016244.
Basal laminar drusen. Also called: DRUSEN OF BRUCH MEMBRANE; DRUSEN, CUTICULAR; DRUSEN, EARLY ADULT-ONSET, GROUPED. Identifiers: Orphanet 75376, MedGen C0730295, MONDO:0007472, OMIM 126700.
Factor H deficiency (CFHD). Also called: COMPLEMENT FACTOR H DEFICIENCY; CFH DEFICIENCY. Identifiers: Orphanet 200421, MedGen C0398777, MONDO:0012350, OMIM 609814.
Age related macular degeneration 4. Identifiers: MedGen C1853147, MONDO:0012540, OMIM 610698.

gnomAD v4.1: 1 of 1,613,932 alleles (0.000062%); highest among the groups gnomAD compares: South Asian, 0.0011%; no homozygotes.

Submission:

Genomenon, Inc
Classification: Uncertain significance for Basal laminar drusen; Age related macular degeneration 4; Atypical hemolytic-uremic syndrome; Factor H deficiency. Last evaluated: 2025-10-02. Review status: criteria provided, single submitter. Criteria: Genomenon Sequence Variant Interpretation Standards - Updated. Collection method: curation. Allele origin: germline. Affected: no.
Comment: CFH p.Gly1204Glu (c.3611G>A) is a missense variant that changes the amino acid at residue 1204 from Glycine to Glutamic acid. This variant has been reported in the published literature (PMID:17089378;21285368;25188723;29686068). It is absent or not present at a significant frequency in gnomAD. In conclusion, we classify CFH p.Gly1204Glu (c.3611G>A) as a variant of uncertain significance.

Literature cited by the submitters: PubMed 17089378; PubMed 21285368; PubMed 25188723; PubMed 29686068.

NM_000186.4(CFH):c.3611G>A (p.Gly1204Glu)

Gene: CFH (complement factor H; plus strand). Cytogenetic location: 1q31.3.
Variant type: single nucleotide variant.
Coding change: c.3611G>A on transcript NM_000186.4 (MANE Select); coding-DNA position 3611, G replaced by A.
Protein change: p.Gly1204Glu; replaces glycine 1204 with glutamic acid.
Molecular consequence: missense variant.
Genome position (GRCh38, 1-based): chr1:196,747,228, G>A. VCF-style: chr1-196747228-G-A. GRCh37 (hg19) VCF-style: chr1-196716358-G-A.
Other names: short protein forms G1204E.
Identifiers: ClinVar variation 4291629 (VCV004291629.1).
Genomic context (GRCh38, chr1:196,747,228, plus strand): 5'-CAGCCAAACAGAAGCTTTATTCGAGAACAGGTGAATCAGTTGAATTTGTGTGTAAACGGG[G>A]ATATCGTCTTTCATCACGTTCTCACACATTGCGAACAACATGTTGGGATGGGAAACTGGA-3'
Protein context (NP_000177.2, residues 1194-1214): GESVEFVCKR[Gly1204Glu]YRLSSRSHTL